The following is an entry in ClinVar:

NM_000760.4(CSF3R):c.1724-6T>G

Gene: CSF3R (colony stimulating factor 3 receptor; minus strand). Cytogenetic location: 1p34.3.
Variant type: single nucleotide variant.
Coding change: c.1724-6T>G on transcript NM_000760.4 (MANE Select); 6 bases into the intron before coding-DNA position 1724, T replaced by G.
Molecular consequence: intron variant.
Genome position (GRCh38, 1-based): chr1:36,467,968, A>C on the plus strand (T>G on the coding strand, the complement: CSF3R is on the minus strand). VCF-style: chr1-36467968-A-C. GRCh37 (hg19) VCF-style: chr1-36933569-A-C.
Other names: c.1724-6T>G (NM_156039.3, NM_172313.3).
Identifiers: ClinVar variation 1001074 (VCV001001074.8), dbSNP rs1217235164, ClinGen allele CA522356498.
Genomic context (GRCh38, chr1:36,467,968, plus strand): 5'-GCGGGCTCCAGGCCATGGAGGACAAAGCCACGGGAGGAGGCATTCAGGATGGCGGCTGGG[A>C]GGGGTGTACGGTCAGCATAGGCCTGGATGGTAAAGCTGCCTCCGTGGCAGCTGAGCACCC-3'

ClinVar aggregate classification (germline): Uncertain significance (1 of 4 stars; one submission).

Conditions:
Autosomal recessive severe congenital neutropenia due to CSF3R deficiency. Also called: Neutropenia, severe congenital, 7, autosomal recessive. Identifiers: Orphanet 420702, MedGen C4310764, MONDO:0014865, OMIM 617014.

Allele frequency attached by ClinVar (database versions not stated): gnomAD exomes below 0.00001 and 0.00001.
gnomAD v4.1: 8 of 1,614,118 alleles (0.0005%); highest among the groups gnomAD compares: Non-Finnish European, 0.00068%; no homozygotes.

Submission:

Labcorp Genetics (formerly Invitae), Labcorp
Classification: Uncertain significance for Autosomal recessive severe congenital neutropenia due to CSF3R deficiency. Last evaluated: 2024-04-05. Review status: criteria provided, single submitter. Criteria: Invitae Variant Classification Sherloc (09022015). Collection method: clinical testing. Allele origin: germline.
Comment: This sequence change falls in intron 13 of the CSF3R gene. It does not directly change the encoded amino acid sequence of the CSF3R protein. This variant is present in population databases (no rsID available, gnomAD 0.0009%). This variant has not been reported in the literature in individuals affected with CSF3R-related conditions. ClinVar contains an entry for this variant (Variation ID: 1001074). Algorithms developed to predict the effect of sequence changes on RNA splicing suggest that this variant may disrupt the consensus splice site. In summary, the available evidence is currently insufficient to determine the role of this variant in disease. Therefore, it has been classified as a Variant of Uncertain Significance.